The following is an entry in ClinVar:

NM_001723.7(DST):c.4881C>T (p.Ser1627=)

Gene: DST (dystonin; minus strand). Cytogenetic location: 6p12.1.
Variant type: single nucleotide variant.
Coding change: c.4881C>T on transcript NM_001723.7 (MANE Plus Clinical); coding-DNA position 4881, C replaced by T.
Protein change: p.Ser1627=; no amino-acid change (serine 1627 retained).
Molecular consequence: synonymous variant. On other transcripts: intron variant (10).
Genome position (GRCh38, 1-based): chr6:56,619,153, G>A on the plus strand (C>T on the coding strand, the complement: DST is on the minus strand). VCF-style: chr6-56619153-G-A. GRCh37 (hg19) VCF-style: chr6-56483951-G-A.
Other names: c.4881C>T (NM_001723.5); c.4831-4669C>T (NM_001144769.5); c.4930-4669C>T (NM_001374722.1, NM_001374736.1); c.4957-4669C>T (NM_001374734.1); c.4417-4669C>T (NM_001144770.2); c.4297-4669C>T (NM_001374730.1, NM_001386100.1, NM_183380.4 and 1 more transcripts); c.3319-4669C>T (NM_015548.5).
Identifiers: ClinVar variation 1546396 (VCV001546396.9), dbSNP rs757219517, ClinGen allele CA3870459.

ClinVar aggregate classification (germline): Likely benign. Review status: criteria provided, multiple submitters, no conflicts (2 of 4 stars). 2 submissions from 2 submitters: Likely benign (2). Last evaluated 2026-01-07.

Conditions:
DST-related disorder. Also called: DST-related disorders; DST-related condition.
Epidermolysis bullosa simplex 3, localized or generalized intermediate, with BP230 deficiency (EBS3). Also called: Epidermolysis bullosa simplex, autosomal recessive 2; Epidermolysis bullosa simplex due to BP230 deficiency. Identifiers: Orphanet 412181, MedGen C3809470, MONDO:0014180, OMIM 615425.
Hereditary sensory and autonomic neuropathy type 6. Also called: HSAN VI; Neuropathy, hereditary sensory and autonomic, type VI. Identifiers: Orphanet 314381, MedGen C3539003, MONDO:0013839, OMIM 614653.

Allele frequency attached by ClinVar (database versions not stated): ExAC 0.00001; gnomAD exomes 0.00001.
gnomAD v4.1: 4 of 1,613,972 alleles (0.00025%); highest among the groups gnomAD compares: Non-Finnish European, 0.00034%; no homozygotes.

Submissions (2):

PreventionGenetics, part of Exact Sciences
Classification: Likely benign for DST-related condition. Last evaluated: 2026-01-07. Review status: criteria provided, single submitter. Criteria: ACMG Guidelines, 2015. Collection method: clinical testing. Allele origin: germline.
Comment: This variant is classified as likely benign based on ACMG/AMP sequence variant interpretation guidelines (Richards et al. 2015 PMID: 25741868, with internal and published modifications).

Labcorp Genetics (formerly Invitae), Labcorp
Classification: Likely benign for Epidermolysis bullosa simplex 3, localized or generalized intermediate, with BP230 deficiency; Hereditary sensory and autonomic neuropathy type 6. Last evaluated: 2024-02-17. Review status: criteria provided, single submitter. Criteria: Invitae Variant Classification Sherloc (09022015). Collection method: clinical testing. Allele origin: germline.